The following is an entry in ClinVar:

NM_000111.3(SLC26A3):c.137C>A (p.Ser46Tyr)

Gene: SLC26A3 (solute carrier family 26 member 3; minus strand). Cytogenetic location: 7q22.3.
Variant type: single nucleotide variant.
Coding change: c.137C>A on transcript NM_000111.3 (MANE Select); coding-DNA position 137, C replaced by A.
Protein change: p.Ser46Tyr; replaces serine 46 with tyrosine.
Molecular consequence: missense variant.
Genome position (GRCh38, 1-based): chr7:107,793,876, G>T on the plus strand (C>A on the coding strand, the complement: SLC26A3 is on the minus strand). VCF-style: chr7-107793876-G-T. GRCh37 (hg19) VCF-style: chr7-107434321-G-T.
Other names: c.137C>A (NM_000111.2); short protein forms S46Y.
Identifiers: ClinVar variation 1478694 (VCV001478694.7), dbSNP rs779418017, ClinGen allele CA368854334.

ClinVar aggregate classification (germline): Uncertain significance. Review status: criteria provided, multiple submitters, no conflicts (2 of 4 stars). 2 submissions from 2 submitters: Uncertain significance (2). Last evaluated 2022-07-05.

Conditions:
Inborn genetic diseases. Identifiers: MedGen C0950123, MeSH D030342.

Submissions (2):

Labcorp Genetics (formerly Invitae), Labcorp
Classification: Uncertain significance. Last evaluated: 2022-07-05. Review status: criteria provided, single submitter. Criteria: Invitae Variant Classification Sherloc (09022015). Collection method: clinical testing. Allele origin: germline.
Comment: In summary, the available evidence is currently insufficient to determine the role of this variant in disease. Therefore, it has been classified as a Variant of Uncertain Significance. Algorithms developed to predict the effect of missense changes on protein structure and function are either unavailable or do not agree on the potential impact of this missense change (SIFT: "Tolerated"; PolyPhen-2: "Probably Damaging"; Align-GVGD: "Class C0"). ClinVar contains an entry for this variant (Variation ID: 1478694). This variant has not been reported in the literature in individuals affected with SLC26A3-related conditions. This variant is not present in population databases (gnomAD no frequency). This sequence change replaces serine, which is neutral and polar, with tyrosine, which is neutral and polar, at codon 46 of the SLC26A3 protein (p.Ser46Tyr).

Ambry Genetics
Classification: Uncertain significance for Inborn genetic diseases. Last evaluated: 2021-09-28. Review status: criteria provided, single submitter. Criteria: Ambry Variant Classification Scheme 2023. Collection method: clinical testing. Allele origin: germline.